The following is an entry in ClinVar:

ClinVar aggregate classification (germline): Pathogenic (1 of 4 stars; one submission).

Conditions:
Tuberous sclerosis 2 (TSC2). Identifiers: Orphanet 805, MedGen C1860707, MONDO:0013199, OMIM 613254.

Submission:

Clinical Genomics Laboratory, Washington University in St. Louis
Classification: Pathogenic for Tuberous sclerosis 2. Last evaluated: 2024-10-14. Review status: criteria provided, single submitter. Criteria: Leon-Quintero et al. (Clin Genet. 2025). Collection method: clinical testing. Allele origin: somatic. Affected: yes.
Comment: A TSC2 c.1947-1_1947delinsAA splicing variant was identified at an allelic fraction consistent with somatic origin. This variant, to our knowledge, has not been reported in the medical literature and this variant is absent in the general population (gnomAD v.4.1.0), indicating it is not a common variant. The TSC2 c.1947-1_1947delinsAA variant occurs within the canonical splice acceptor site, which is predicted to affect splicing. Based on available information and an internally developed protocol informed by the ACMG/AMP guidelines for variant interpretation and gene-specific practices from the ClinGen Criteria Specification Registry (Leon-Quintero FZ et al., PMID: 39434542), the TSC2 c.1947-1_1947delinsAA variant is classified as pathogenic.

NM_000548.5(TSC2):c.1947-1_1947delinsAA

Gene: TSC2 (TSC complex subunit 2; plus strand). Cytogenetic location: 16p13.3.
Variant type: Indel.
Coding change: c.1947-1_1947delinsAA on transcript NM_000548.5 (MANE Select); the canonical splice acceptor site of the intron before coding-DNA position 1947 through coding-DNA position 1947, GG replaced by AA.
Molecular consequence: splice acceptor variant.
Genome position (GRCh38, 1-based): chr16:2,071,783-2,071,784, GG replaced by AA. VCF-style: chr16-2071783-GG-AA. GRCh37 (hg19) VCF-style: chr16-2121784-GG-AA.
Other names: c.603-1_603delinsAA (NM_001406693.1, NM_001406689.1, NM_001406690.1 and 6 more transcripts); c.2037-1_2037delinsAA (NM_001406667.1, NM_001406668.1); c.1347-1_1347delinsAA (NM_001406680.1, NM_001406683.1, NM_001406687.1 and 6 more transcripts); c.345-1_345delinsAA (NM_001406698.1); c.1947-1_1947delinsAA (NM_001114382.3, NM_001406663.1, NM_001406664.1 and 6 more transcripts); c.1935-1_1935delinsAA (NM_001406671.1, NM_001406673.1); c.1485-1_1485delinsAA (NM_001406681.1); c.1836-1_1836delinsAA (NM_001406670.1, NM_001318827.2, NM_001406678.1); and 3 more.
Identifiers: ClinVar variation 3774500 (VCV003774500.1).